The following is an entry in ClinVar:

ClinVar aggregate classification (germline): Benign/Likely benign. Review status: criteria provided, multiple submitters, no conflicts (2 of 4 stars). 5 submissions from 5 submitters: Benign (1); Likely benign (4). Last evaluated 2026-01-27.

Conditions:
Hereditary cancer-predisposing syndrome. Also called: Hereditary neoplastic syndrome; Tumor predisposition; Neoplastic Syndromes, Hereditary; Hereditary Cancer Syndrome. Identifiers: Orphanet 140162, MedGen C0027672, MeSH D009386, MONDO:0015356.
Familial cancer of breast. Also called: Hereditary breast cancer; BREAST CANCER, FAMILIAL; hereditary breast carcinoma. Identifiers: Orphanet 227535, MedGen C0346153, MONDO:0016419, OMIM 114480. Disease mechanism: loss of function.
Ataxia-telangiectasia syndrome (AT). Also called: LOUIS-BAR SYNDROME; ATAXIA-TELANGIECTASIA, COMPLEMENTATION GROUP A; ATAXIA-TELANGIECTASIA, FRESNO VARIANT; Ataxia-telangiectasia; Ataxia telangiectasia (A-T); Cerebello-oculocutaneous telangiectasia. Identifiers: Orphanet 100, MedGen C0004135, MONDO:0008840, OMIM 208900.

Allele frequency attached by ClinVar (database versions not stated): gnomAD exomes 0.00001 and 0.00002; ExAC 0.00003; TOPMed 0.00006; gnomAD 0.00011 and 0.00012; 1000 Genomes Project 30x 0.00016; 1000 Genomes Project 0.00020.
gnomAD v4.1: 24 of 1,604,818 alleles (0.0015%); highest among the groups gnomAD compares: African/African-American, 0.025%; no homozygotes.

Submissions (5):

Labcorp Genetics (formerly Invitae), Labcorp
Classification: Likely benign for Ataxia-telangiectasia syndrome. Last evaluated: 2026-01-27. Review status: criteria provided, single submitter. Criteria: Invitae Variant Classification Sherloc (09022015). Collection method: clinical testing. Allele origin: germline.

Myriad Genetics, Inc.
Classification: Benign for Familial cancer of breast. Last evaluated: 2024-05-10. Review status: criteria provided, single submitter. Criteria: Myriad Autosomal Dominant, Autosomal Recessive and X-Linked Classification Criteria (2023). Collection method: clinical testing. Allele origin: unknown.
Comment: This variant is considered benign. This variant is intronic and is not expected to impact mRNA splicing. This variant is strongly associated with less severe personal and family histories of cancer, typical for individuals without pathogenic variants in this gene [PMID: 25085752].

ARUP Laboratories, Molecular Genetics and Genomics, ARUP Laboratories
Classification: Likely benign. Last evaluated: 2021-10-08. Review status: criteria provided, single submitter. Criteria: ARUP Molecular Germline Variant Investigation Process 2021. Collection method: clinical testing. Allele origin: germline.

GeneDx
Classification: Likely benign. Last evaluated: 2017-02-14. Review status: criteria provided, single submitter. Criteria: GeneDx Variant Classification (06012015). Collection method: clinical testing. Allele origin: germline. Affected: yes.
Comment: This variant is considered likely benign or benign based on one or more of the following criteria: it is a conservative change, it occurs at a poorly conserved position in the protein, it is predicted to be benign by multiple in silico algorithms, and/or has population frequency not consistent with disease.

Color Diagnostics, LLC DBA Color Health
Classification: Likely benign for Hereditary cancer-predisposing syndrome. Last evaluated: 2016-04-20. Review status: criteria provided, single submitter. Criteria: ACMG Guidelines, 2015. Collection method: clinical testing. Allele origin: germline.

Literature cited by the submitters: PubMed 25085752 (cited by Myriad Genetics, Inc.).

NM_000051.4(ATM):c.2839-18T>C

Gene: ATM (ATM serine/threonine kinase; plus strand). Cytogenetic location: 11q22.3.
Variant type: single nucleotide variant.
Coding change: c.2839-18T>C on transcript NM_000051.4 (MANE Select); 18 bases into the intron before coding-DNA position 2839, T replaced by C.
Molecular consequence: intron variant.
Genome position (GRCh38, 1-based): chr11:108,271,046, T>C. VCF-style: chr11-108271046-T-C. GRCh37 (hg19) VCF-style: chr11-108141773-T-C.
Other names: c.2839-18T>C (NM_001351834.2).
Identifiers: ClinVar variation 377508 (VCV000377508.19), dbSNP rs553155942, ClinGen allele CA6265129.